The following is an entry in ClinVar:

NM_138694.4(PKHD1):c.4811C>T (p.Thr1604Met)

Genes: PKHD1 (PKHD1 ciliary IPT domain containing fibrocystin/polyductin; minus strand), LOC126859690 (MED14-independent group 3 enhancer GRCh37_chr6:51888848-51890047; plus strand). Cytogenetic location: 6p12.2.
Variant type: single nucleotide variant.
Coding change: c.4811C>T on transcript NM_138694.4 (MANE Select); coding-DNA position 4811, C replaced by T.
Protein change: p.Thr1604Met; replaces threonine 1604 with methionine.
Molecular consequence: missense variant.
Genome position (GRCh38, 1-based): chr6:52,024,999, G>A on the plus strand (C>T on the coding strand, the complement: PKHD1 is on the minus strand). VCF-style: chr6-52024999-G-A. GRCh37 (hg19) VCF-style: chr6-51889797-G-A.
Other names: c.4811C>T, p.Thr1604Met (NM_170724.3); short protein forms T1604M.
Identifiers: ClinVar variation 975853 (VCV000975853.6), dbSNP rs1370869109, ClinGen allele CA364431297.

ClinVar aggregate classification (germline): Conflicting classifications of pathogenicity. Review status: criteria provided, conflicting classifications (1 of 4 stars). 2 submissions from 2 submitters: Likely pathogenic (1); Uncertain significance (1). Last evaluated 2025-11-12.

Conditions:
Polycystic kidney disease 4 (PKD4). Also called: PKD3; Autosomal Recessive Polycystic Kidney Disease – PKHD1; POLYCYSTIC KIDNEY AND HEPATIC DISEASE 1; POLYCYSTIC KIDNEY DISEASE, INFANTILE, TYPE I; POLYCYSTIC KIDNEY DISEASE 4 WITH OR WITHOUT POLYCYSTIC LIVER DISEASE. Identifiers: MedGen C4540575, MONDO:0033004, OMIM 263200.

Allele frequency attached by ClinVar (database versions not stated): gnomAD 0.00001; gnomAD exomes below 0.00001; TOPMed below 0.00001.
gnomAD v4.1: 6 of 1,614,068 alleles (0.00037%); highest among the groups gnomAD compares: East Asian, 0.0067%; no homozygotes.

Submissions (2):

Victorian Clinical Genetics Services, Murdoch Childrens Research Institute
Classification: Likely pathogenic for Polycystic kidney disease 4. Last evaluated: 2025-11-12. Review status: criteria provided, single submitter. Criteria: ACMG Guidelines, 2015. Collection method: clinical testing. Allele origin: germline. Affected: yes.
Comment: This variant is classified as Likely pathogenic. Evidence in support of pathogenic classification: Variant is present in gnomAD <0.01 (v4: 6 heterozygote(s), 0 homozygote(s)); This variant has limited previous evidence of pathogenicity in an unrelated individual. This variant has been reported in an individual compound heterozygous with a stop gain variant with multiple renal cysts and polycystic liver disease (PMID: 32939031). In addition, this variant has been classified as a VUS by a clinical laboratory in ClinVar; Heterozygous variant detected in trans with a PATHOGENIC heterozygous variant (NM_138694.4(PKHD1):c.9689del; p.(Asp3230Valfs*34)) in a recessive disease. Additional information: Variant is predicted to result in a missense amino acid change from threonine to methionine; This variant is heterozygous; This gene is associated with autosomal recessive disease; however, there are emerging reports of individuals with heterozygous variants in PKHD1 developing liver cysts and nephrocalcinosis (PMID: 21945273, 36691356); No published evidence of segregation with disease has been identified for this variant; No published functional evidence has been identified for this variant; Variant is located in the annotated TIG domain (DECIPHER); Missense variant with inconclusive in silico prediction and uninformative conservation; Loss of function is a known mechanism of disease in this gene and is associated with polycystic kidney disease 4, with or without hepatic disease (MIM#263200); Variants in this gene are known to have variable expressivity. Significant intrafamilial variability has been reported (PMID: 20301501).

Fulgent Genetics
Classification: Uncertain significance for Polycystic kidney disease 4. Last evaluated: 2024-03-12. Review status: criteria provided, single submitter. Criteria: ACMG Guidelines, 2015. Collection method: clinical testing. Allele origin: germline.

Literature cited by the submitters: PubMed 20301501 (cited by Victorian Clinical Genetics Services, Murdoch Childrens Research Institute); PubMed 36691356 (cited by Victorian Clinical Genetics Services, Murdoch Childrens Research Institute); PubMed 32939031 (cited by Victorian Clinical Genetics Services, Murdoch Childrens Research Institute); PubMed 21945273 (cited by Victorian Clinical Genetics Services, Murdoch Childrens Research Institute).